The following is an entry in ClinVar:

NM_000454.5(SOD1):c.416G>T (p.Gly139Val)

Gene: SOD1 (superoxide dismutase 1; plus strand). Cytogenetic location: 21q22.11.
Variant type: single nucleotide variant.
Coding change: c.416G>T on transcript NM_000454.5 (MANE Select); coding-DNA position 416, G replaced by T.
Protein change: p.Gly139Val; replaces glycine 139 with valine.
Molecular consequence: missense variant.
Genome position (GRCh38, 1-based): chr21:31,668,529, G>T. VCF-style: chr21-31668529-G-T. GRCh37 (hg19) VCF-style: chr21-33040842-G-T.
Other names: short protein forms G139V.
Identifiers: ClinVar variation 2093561 (VCV002093561.4), dbSNP rs1568811464, ClinGen allele CA410037759.

ClinVar aggregate classification (germline): Uncertain significance (1 of 4 stars; one submission).

Conditions:
Amyotrophic lateral sclerosis type 1 (ALS1). Also called: AMYOTROPHIC LATERAL SCLEROSIS 1, FAMILIAL. Identifiers: Orphanet 803, MedGen C1862939, MONDO:0007103, OMIM 105400.

Submission:

Labcorp Genetics (formerly Invitae), Labcorp
Classification: Uncertain significance for Amyotrophic lateral sclerosis type 1. Last evaluated: 2022-02-05. Review status: criteria provided, single submitter. Criteria: Invitae Variant Classification Sherloc (09022015). Collection method: clinical testing. Allele origin: germline.
Comment: This sequence change replaces glycine, which is neutral and non-polar, with valine, which is neutral and non-polar, at codon 139 of the SOD1 protein (p.Gly139Val). This variant is not present in population databases (gnomAD no frequency). This variant has not been reported in the literature in individuals affected with SOD1-related conditions. Advanced modeling of protein sequence and biophysical properties (such as structural, functional, and spatial information, amino acid conservation, physicochemical variation, residue mobility, and thermodynamic stability) performed at Invitae indicates that this missense variant is expected to disrupt SOD1 protein function. In summary, the available evidence is currently insufficient to determine the role of this variant in disease. Therefore, it has been classified as a Variant of Uncertain Significance.